The following is an entry in ClinVar:

ClinVar aggregate classification (germline): Likely benign (1 of 4 stars; one submission).

Allele frequency attached by ClinVar (database versions not stated): ExAC 0.00001; gnomAD 0.00001; 1000 Genomes Project 30x 0.00016; 1000 Genomes Project 0.00020.
gnomAD v4.1: 2 of 1,612,502 alleles (0.00012%); highest among the groups gnomAD compares: South Asian, 0.0011%; no homozygotes.

Submission:

GeneDx
Classification: Likely benign. Last evaluated: 2018-04-24. Review status: criteria provided, single submitter. Criteria: GeneDx Variant Classification (06012015). Collection method: clinical testing. Allele origin: germline. Affected: yes.
Comment: This variant is considered likely benign or benign based on one or more of the following criteria: it is a conservative change, it occurs at a poorly conserved position in the protein, it is predicted to be benign by multiple in silico algorithms, and/or has population frequency not consistent with disease.

NM_001002295.2(GATA3):c.421T>C (p.Leu141=)

Gene: GATA3 (GATA binding protein 3; plus strand). Cytogenetic location: 10p14.
Variant type: single nucleotide variant.
Coding change: c.421T>C on transcript NM_001002295.2 (MANE Select); coding-DNA position 421, T replaced by C.
Protein change: p.Leu141=; no amino-acid change (leucine 141 retained).
Molecular consequence: synonymous variant.
Genome position (GRCh38, 1-based): chr10:8,058,484, T>C. VCF-style: chr10-8058484-T-C. GRCh37 (hg19) VCF-style: chr10-8100447-T-C.
Other names: c.421T>C, p.Leu141= (NM_002051.3).
Identifiers: ClinVar variation 681820 (VCV000681820.1), dbSNP rs575374217, ClinGen allele CA5404363.